The following is an entry in ClinVar:

NM_001170535.3(ATAD3A):c.907-5G>A

Gene: ATAD3A (ATPase family AAA domain containing 3A; plus strand). Cytogenetic location: 1p36.33.
Variant type: single nucleotide variant.
Coding change: c.907-5G>A on transcript NM_001170535.3 (MANE Select); 5 bases into the intron before coding-DNA position 907, G replaced by A.
Molecular consequence: intron variant.
Genome position (GRCh38, 1-based): chr1:1,523,506, G>A. VCF-style: chr1-1523506-G-A. GRCh37 (hg19) VCF-style: chr1-1458886-G-A.
Other names: c.670-5G>A (NM_001170536.3); c.1051-5G>A (NM_018188.5).
Identifiers: ClinVar variation 2638031 (VCV002638031.25), dbSNP rs369472403, ClinGen allele CA526066.

ClinVar aggregate classification (germline): Benign/Likely benign. Review status: criteria provided, multiple submitters, no conflicts (2 of 4 stars). 2 submissions from 2 submitters: Benign (1); Likely benign (1). Last evaluated 2026-05-04.

Allele frequency attached by ClinVar (database versions not stated): ESP Exome Variant Server 0.00038; TOPMed 0.00038; gnomAD 0.00046; 1000 Genomes Project 0.00100; 1000 Genomes Project 30x 0.00125; ExAC 0.00149.

Submissions (2):

Women's Health and Genetics/Laboratory Corporation of America, LabCorp
Classification: Benign. Last evaluated: 2026-05-04. Review status: criteria provided, single submitter. Criteria: LabCorp Variant Classification Summary - May 2015. Collection method: clinical testing. Allele origin: germline.

CeGaT Center for Human Genetics Tuebingen
Classification: Likely benign. Last evaluated: 2025-11-01. Review status: criteria provided, single submitter. Criteria: CeGaT Center For Human Genetics Tuebingen Variant Classification Criteria Version 2. Collection method: clinical testing. Allele origin: germline. Affected: yes. Observed: 4 variant alleles.
Comment: ATAD3A: PP3, BS2